The following is an entry in ClinVar:

NM_003628.6(PKP4):c.571A>G (p.Asn191Asp)

Gene: PKP4 (plakophilin 4; plus strand). Cytogenetic location: 2q24.1.
Variant type: single nucleotide variant.
Coding change: c.571A>G on transcript NM_003628.6 (MANE Select); coding-DNA position 571, A replaced by G.
Protein change: p.Asn191Asp; replaces asparagine 191 with aspartic acid.
Molecular consequence: missense variant. On other transcripts: 5 prime UTR variant (1).
Genome position (GRCh38, 1-based): chr2:158,621,389, A>G. VCF-style: chr2-158621389-A-G. GRCh37 (hg19) VCF-style: chr2-159477901-A-G.
Other names: c.565A>G, p.Asn189Asp (NM_001377224.1, NM_001377222.1, NM_001377223.1); c.571A>G, p.Asn191Asp (NM_001377225.1, NM_001377226.1, NM_001005476.4 and 6 more transcripts); c.-379A>G (NM_001304970.3); short protein forms N191D, N189D.
Identifiers: ClinVar variation 4841532 (VCV004841532.1).

ClinVar aggregate classification (germline): Uncertain significance (1 of 4 stars; one submission).

gnomAD v4.1: 10 of 1,614,036 alleles (0.00062%); highest among the groups gnomAD compares: African/African-American, 0.013%; no homozygotes.

Submission:

Ambry Genetics
Classification: Uncertain significance. Last evaluated: 2025-12-21. Review status: criteria provided, single submitter. Criteria: Ambry Variant Classification Scheme 2023. Collection method: clinical testing. Allele origin: germline.
Comment: The p.N191D variant (also known as c.571A>G), located in coding exon 5 of the PKP4 gene, results from an A to G substitution at nucleotide position 571. The asparagine at codon 191 is replaced by aspartic acid, an amino acid with highly similar properties. This amino acid position is conserved. In addition, this alteration is predicted to be tolerated by in silico analysis. Based on the available evidence, the clinical significance of this variant remains unclear.